The following is an entry in ClinVar:

NM_024876.4(COQ8B):c.663G>T (p.Gly221=)

Gene: COQ8B (coenzyme Q8B; minus strand). Cytogenetic location: 19q13.2.
Variant type: single nucleotide variant.
Coding change: c.663G>T on transcript NM_024876.4 (MANE Select); coding-DNA position 663, G replaced by T.
Protein change: p.Gly221=; no amino-acid change (glycine 221 retained).
Molecular consequence: synonymous variant.
Genome position (GRCh38, 1-based): chr19:40,703,769, C>A on the plus strand (G>T on the coding strand, the complement: COQ8B is on the minus strand). VCF-style: chr19-40703769-C-A. GRCh37 (hg19) VCF-style: chr19-41209674-C-A.
Other names: c.540G>T, p.Gly180= (NM_001142555.3).
Identifiers: ClinVar variation 389044 (VCV000389044.1), dbSNP rs142414537, ClinGen allele CA16608179.

ClinVar aggregate classification (germline): Likely benign (1 of 4 stars; one submission).

gnomAD v4.1: 3 of 1,613,956 alleles (0.00019%); highest among the groups gnomAD compares: Admixed American, 0.0017%; no homozygotes.

Submission:

GeneDx
Classification: Likely benign. Last evaluated: 2016-09-19. Review status: criteria provided, single submitter. Criteria: GeneDx Variant Classification (06012015). Collection method: clinical testing. Allele origin: germline. Affected: yes.
Comment: This variant is considered likely benign or benign based on one or more of the following criteria: it is a conservative change, it occurs at a poorly conserved position in the protein, it is predicted to be benign by multiple in silico algorithms, and/or has population frequency not consistent with disease.